The following is an entry in ClinVar:

ClinVar aggregate classification (germline): Uncertain significance. Review status: criteria provided, multiple submitters, no conflicts (2 of 4 stars). 2 submissions from 2 submitters: Uncertain significance (2). Last evaluated 2024-04-25.

gnomAD v4.1: 1 of 1,612,904 alleles (0.000062%); highest among the groups gnomAD compares: Admixed American, 0.0017%; no homozygotes.

Submissions (2):

Blueprint Genetics
Classification: Uncertain significance. Last evaluated: 2024-04-25. Review status: criteria provided, single submitter. Criteria: ACMG Guidelines, 2015. Collection method: clinical testing. Allele origin: germline.

Labcorp Genetics (formerly Invitae), Labcorp
Classification: Uncertain significance. Last evaluated: 2023-07-18. Review status: criteria provided, single submitter. Criteria: Invitae Variant Classification Sherloc (09022015). Collection method: clinical testing. Allele origin: germline.
Comment: This sequence change replaces proline, which is neutral and non-polar, with leucine, which is neutral and non-polar, at codon 83 of the MYH3 protein (p.Pro83Leu). This variant is not present in population databases (gnomAD no frequency). This variant has not been reported in the literature in individuals affected with MYH3-related conditions. Advanced modeling of protein sequence and biophysical properties (such as structural, functional, and spatial information, amino acid conservation, physicochemical variation, residue mobility, and thermodynamic stability) has been performed at Invitae for this missense variant, however the output from this modeling did not meet the statistical confidence thresholds required to predict the impact of this variant on MYH3 protein function. In summary, the available evidence is currently insufficient to determine the role of this variant in disease. Therefore, it has been classified as a Variant of Uncertain Significance.

NM_002470.4(MYH3):c.248C>T (p.Pro83Leu)

Gene: MYH3 (myosin heavy chain 3; minus strand). Cytogenetic location: 17p13.1.
Variant type: single nucleotide variant.
Coding change: c.248C>T on transcript NM_002470.4 (MANE Select); coding-DNA position 248, C replaced by T.
Protein change: p.Pro83Leu; replaces proline 83 with leucine.
Molecular consequence: missense variant.
Genome position (GRCh38, 1-based): chr17:10,652,520, G>A on the plus strand (C>T on the coding strand, the complement: MYH3 is on the minus strand). VCF-style: chr17-10652520-G-A. GRCh37 (hg19) VCF-style: chr17-10555837-G-A.
Other names: short protein forms P83L.
Identifiers: ClinVar variation 2805289 (VCV002805289.4), dbSNP rs199513213, ClinGen allele CA398117207.
Genomic context (GRCh38, chr17:10,652,520, plus strand): 5'-AGCACGGCTGGCTCATTCAGGTGCGTCAGCATGGCCATGTCTTCGATCCTGTCGAACTTG[G>A]GGGGGTTCATGGCGTACACATCCTCTGGTTTGACCACCAGGGTCTAAAAAGGAAGAGGCA-3'
Protein context (NP_002461.2, residues 73-93): KPEDVYAMNP[Pro83Leu]KFDRIEDMAM